The following is an entry in ClinVar:

NM_002382.5(MAX):c.171+5G>A

Genes: MAX (MYC associated transcriptional regulator X; minus strand), MAX-AS1 (MAX antisense RNA 1; plus strand). Cytogenetic location: 14q23.3.
Variant type: single nucleotide variant.
Coding change: c.171+5G>A on transcript NM_002382.5 (MANE Select); 5 bases into the intron after coding-DNA position 171, G replaced by A.
Molecular consequence: intron variant. On other transcripts: non-coding transcript variant (1).
Genome position (GRCh38, 1-based): chr14:65,093,703, C>T on the plus strand (G>A on the coding strand, the complement: MAX is on the minus strand). VCF-style: chr14-65093703-C-T. GRCh37 (hg19) VCF-style: chr14-65560421-C-T.
Other names: c.144+5G>A (NM_001271069.2, NM_145112.3, NM_001271068.2); c.171+5G>A (NM_197957.4, NM_145113.3, NM_145114.3); c.-104+5G>A (NM_001320415.2).
Identifiers: ClinVar variation 2092261 (VCV002092261.4), dbSNP rs2139882198, ClinGen allele CA486742572.

ClinVar aggregate classification (germline): Uncertain significance (1 of 4 stars; one submission).

Conditions:
Hereditary pheochromocytoma and paraganglioma. Also called: Hereditary paragangliomas and pheochromocytomas; Hereditary Paraganglioma-Pheochromocytoma Syndromes; Hereditary pheochromocytoma-paraganglioma. Identifiers: Orphanet 29072, MedGen C4274332, MONDO:0017366.

Submission:

Labcorp Genetics (formerly Invitae), Labcorp
Classification: Uncertain significance for Hereditary pheochromocytoma and paraganglioma. Last evaluated: 2022-02-03. Review status: criteria provided, single submitter. Criteria: Invitae Variant Classification Sherloc (09022015). Collection method: clinical testing. Allele origin: germline.
Comment: In summary, the available evidence is currently insufficient to determine the role of this variant in disease. Therefore, it has been classified as a Variant of Uncertain Significance. Variants that disrupt the consensus splice site are a relatively common cause of aberrant splicing (PMID: 17576681, 9536098). Algorithms developed to predict the effect of sequence changes on RNA splicing suggest that this variant may disrupt the consensus splice site. This variant has not been reported in the literature in individuals affected with MAX-related conditions. This variant is not present in population databases (gnomAD no frequency). This sequence change falls in intron 3 of the MAX gene. It does not directly change the encoded amino acid sequence of the MAX protein. It affects a nucleotide within the consensus splice site.

Literature cited by the submitters: PubMed 17576681; PubMed 9536098.